The following is an entry in ClinVar:

ClinVar aggregate classification (germline): Conflicting classifications of pathogenicity. Review status: criteria provided, conflicting classifications (1 of 4 stars). 2 submissions from 2 submitters: Uncertain significance (1); Likely benign (1). Last evaluated 2024-03-20.

gnomAD v4.1: 44 of 1,606,628 alleles (0.0027%); highest among the groups gnomAD compares: South Asian, 0.046%; no homozygotes.

Submissions (2):

Blueprint Genetics
Classification: Likely benign. Last evaluated: 2024-03-20. Review status: criteria provided, single submitter. Criteria: ACMG Guidelines, 2015. Collection method: clinical testing. Allele origin: germline.

GeneDx
Classification: Uncertain significance. Last evaluated: 2023-09-05. Review status: criteria provided, single submitter. Criteria: GeneDx Variant Classification Process June 2021. Collection method: clinical testing. Allele origin: germline. Affected: yes.
Comment: In silico analysis supports that this variant does not alter splicing; Has not been previously published as pathogenic or benign to our knowledge

NM_198334.3(GANAB):c.2394C>T (p.Ser798=)

Gene: GANAB (glucosidase II alpha subunit; minus strand). Cytogenetic location: 11q12.3.
Variant type: single nucleotide variant.
Coding change: c.2394C>T on transcript NM_198334.3 (MANE Select); coding-DNA position 2394, C replaced by T.
Protein change: p.Ser798=; no amino-acid change (serine 798 retained).
Molecular consequence: synonymous variant.
Genome position (GRCh38, 1-based): chr11:62,626,863, G>A on the plus strand (C>T on the coding strand, the complement: GANAB is on the minus strand). VCF-style: chr11-62626863-G-A. GRCh37 (hg19) VCF-style: chr11-62394335-G-A.
Other names: c.2118C>T, p.Ser706= (NM_001278192.2); c.2052C>T, p.Ser684= (NM_001278193.2); c.2103C>T, p.Ser701= (NM_001278194.2, NM_001329222.2, NM_001329223.2); c.1671C>T, p.Ser557= (NM_001329224.2, NM_001329225.2); c.2460C>T, p.Ser820= (NM_198335.4).
Identifiers: ClinVar variation 3342445 (VCV003342445.2).